The following is an entry in ClinVar:

NM_000260.4(MYO7A):c.3193A>T (p.Ser1065Cys)

Gene: MYO7A (myosin VIIA; plus strand). Cytogenetic location: 11q13.5.
Variant type: single nucleotide variant.
Coding change: c.3193A>T on transcript NM_000260.4 (MANE Select); coding-DNA position 3193, A replaced by T.
Protein change: p.Ser1065Cys; replaces serine 1065 with cysteine.
Molecular consequence: missense variant.
Genome position (GRCh38, 1-based): chr11:77,182,508, A>T. VCF-style: chr11-77182508-A-T. GRCh37 (hg19) VCF-style: chr11-76893553-A-T.
Other names: c.3193A>T, p.Ser1065Cys (NM_001127180.2); c.3160A>T, p.Ser1054Cys (NM_001369365.1); short protein forms S1054C, S1065C.
Identifiers: ClinVar variation 3898889 (VCV003898889.1).
Genomic context (GRCh38, chr11:77,182,508, plus strand): 5'-ATCCTCCGCTTCATGGGGGACCTCCCTGAGCCCAAGTACCACACAGCCATGAGTGATGGC[A>T]GTGAGAAGATCCCTGTGATGACCAAGATTTATGAGACCCTGGGCAAGAAGACGTACAAGA-3'
Protein context (NP_000251.3, residues 1055-1075): PKYHTAMSDG[Ser1065Cys]EKIPVMTKIY

ClinVar aggregate classification (germline): Uncertain significance (1 of 4 stars; one submission).

gnomAD v4.1: 2 of 1,612,136 alleles (0.00012%); highest among the groups gnomAD compares: Non-Finnish European, 0.00017%; no homozygotes.

Submission:

GeneDx
Classification: Uncertain significance. Last evaluated: 2024-11-07. Review status: criteria provided, single submitter. Criteria: GeneDx Variant Classification Process June 2021. Collection method: clinical testing. Allele origin: germline. Affected: yes.
Comment: Not observed at significant frequency in large population cohorts (gnomAD); In silico analysis supports that this missense variant has a deleterious effect on protein structure/function; Has not been previously published as pathogenic or benign to our knowledge